The following is an entry in ClinVar:

NM_198904.4(GABRG2):c.2T>C (p.Met1Thr)

Gene: GABRG2 (gamma-aminobutyric acid type A receptor subunit gamma2; plus strand). Cytogenetic location: 5q34.
Variant type: single nucleotide variant.
Coding change: c.2T>C on transcript NM_198904.4 (MANE Select); coding-DNA position 2, T replaced by C.
Protein change: p.Met1Thr; changes the start codon (methionine 1).
Molecular consequence: missense variant, initiator codon variant. On other transcripts: 5 prime UTR variant (3), intron variant (3).
Genome position (GRCh38, 1-based): chr5:162,068,001, T>C. VCF-style: chr5-162068001-T-C. GRCh37 (hg19) VCF-style: chr5-161495007-T-C.
Other names: c.2T>C, p.Met1Thr (NM_000816.3, NM_001375339.1, NM_001375340.1 and 5 more transcripts); c.-357T>C (NM_001375348.1, NM_001375350.1); c.-405T>C (NM_001375349.1); c.-3-62T>C (NM_001375346.1, NM_001375345.1); c.20+360T>C (NM_001375347.1); short protein forms M1T.
Identifiers: ClinVar variation 3901705 (VCV003901705.1).

ClinVar aggregate classification (germline): Uncertain significance (1 of 4 stars; one submission).

Submission:

GeneDx
Classification: Uncertain significance. Last evaluated: 2024-12-05. Review status: criteria provided, single submitter. Criteria: GeneDx Variant Classification Process June 2021. Collection method: clinical testing. Allele origin: germline. Affected: yes.
Comment: Not observed at significant frequency in large population cohorts (gnomAD); Initiation codon variant in a gene for which loss of function is not a known mechanism of disease; Has not been previously published as pathogenic or benign to our knowledge